The following is an entry in ClinVar:

ClinVar aggregate classification (germline): Uncertain significance (1 of 4 stars; one submission).

Submission:

Labcorp Genetics (formerly Invitae), Labcorp
Classification: Uncertain significance. Last evaluated: 2020-05-20. Review status: criteria provided, single submitter. Criteria: Invitae Variant Classification Sherloc (09022015). Collection method: clinical testing. Allele origin: germline.
Comment: In summary, the available evidence is currently insufficient to determine the role of this variant in disease. Therefore, it has been classified as a Variant of Uncertain Significance. Algorithms developed to predict the effect of missense changes on protein structure and function are either unavailable or do not agree on the potential impact of this missense change (SIFT: "Deleterious"; PolyPhen-2: "Not Available"; Align-GVGD: "Class C0"). This variant has not been reported in the literature in individuals with COL4A4-related conditions. This variant is not present in population databases (ExAC no frequency). This sequence change replaces proline with leucine at codon 1453 of the COL4A4 protein (p.Pro1453Leu). The proline residue is highly conserved and there is a moderate physicochemical difference between proline and leucine.

NM_000092.5(COL4A4):c.4358C>T (p.Pro1453Leu)

Gene: COL4A4 (collagen type IV alpha 4 chain; minus strand). Cytogenetic location: 2q36.3.
Variant type: single nucleotide variant.
Coding change: c.4358C>T on transcript NM_000092.5 (MANE Select); coding-DNA position 4358, C replaced by T.
Protein change: p.Pro1453Leu; replaces proline 1453 with leucine.
Molecular consequence: missense variant.
Genome position (GRCh38, 1-based): chr2:227,010,477, G>A on the plus strand (C>T on the coding strand, the complement: COL4A4 is on the minus strand). VCF-style: chr2-227010477-G-A. GRCh37 (hg19) VCF-style: chr2-227875193-G-A.
Other names: short protein forms P1453L.
Identifiers: ClinVar variation 1060930 (VCV001060930.9), dbSNP rs2149745307, ClinGen allele CA350836316.